The following is an entry in ClinVar:

ClinVar aggregate classification (germline): Benign (0 of 4 stars; one submission).

Conditions:
SCRIB-related disorder. Also called: SCRIB-related condition.

Allele frequency attached by ClinVar (database versions not stated): ESP Exome Variant Server 0.00015; gnomAD exomes 0.00057; gnomAD 0.00097; TOPMed 0.00104; ExAC 0.00183; 1000 Genomes Project 30x 0.00312; 1000 Genomes Project 0.00339.
gnomAD v4.1: 1,022 of 1,602,466 alleles (0.064%); highest among the groups gnomAD compares: East Asian, 1.8%; 11 homozygotes.

Submission:

PreventionGenetics, part of Exact Sciences
Classification: Benign for SCRIB-related condition. Last evaluated: 2019-02-20. Review status: no assertion criteria provided. Collection method: clinical testing. Allele origin: germline.
Comment: This variant is classified as benign based on ACMG/AMP sequence variant interpretation guidelines (Richards et al. 2015 PMID: 25741868, with internal and published modifications).

NM_182706.5(SCRIB):c.3487C>G (p.Gln1163Glu)

Gene: SCRIB (scribble planar cell polarity protein; minus strand). Cytogenetic location: 8q24.3.
Variant type: single nucleotide variant.
Coding change: c.3487C>G on transcript NM_182706.5 (MANE Select); coding-DNA position 3487, C replaced by G.
Protein change: p.Gln1163Glu; replaces glutamine 1163 with glutamic acid.
Molecular consequence: missense variant.
Genome position (GRCh38, 1-based): chr8:143,803,499, G>C on the plus strand (C>G on the coding strand, the complement: SCRIB is on the minus strand). VCF-style: chr8-143803499-G-C. GRCh37 (hg19) VCF-style: chr8-144885669-G-C.
Other names: c.3487C>G, p.Gln1163Glu (NM_015356.5); short protein forms Q1163E.
Identifiers: ClinVar variation 3037548 (VCV003037548.2), dbSNP rs138257744, ClinGen allele CA4918687.